The following is an entry in ClinVar:

NM_005633.4(SOS1):c.1568G>A (p.Ser523Asn)

Gene: SOS1 (SOS Ras/Rac guanine nucleotide exchange factor 1; minus strand). Cytogenetic location: 2p22.1.
Variant type: single nucleotide variant.
Coding change: c.1568G>A on transcript NM_005633.4 (MANE Select); coding-DNA position 1568, G replaced by A.
Protein change: p.Ser523Asn; replaces serine 523 with asparagine.
Molecular consequence: missense variant.
Genome position (GRCh38, 1-based): chr2:39,022,860, C>T on the plus strand (G>A on the coding strand, the complement: SOS1 is on the minus strand). VCF-style: chr2-39022860-C-T. GRCh37 (hg19) VCF-style: chr2-39250001-C-T.
Other names: c.1547G>A, p.Ser516Asn (NM_001382394.1); c.1568G>A, p.Ser523Asn (NM_001382395.1); short protein forms S523N, S516N.
Identifiers: ClinVar variation 860321 (VCV000860321.9), dbSNP rs1156669922, ClinGen allele CA346365871.

ClinVar aggregate classification (germline): Uncertain significance (1 of 4 stars; one submission).

Conditions:
RASopathy. Also called: Noonan spectrum disorder; rasopathies. Identifiers: Orphanet 536391, MedGen C5555857, MONDO:0021060.

Allele frequency attached by ClinVar (database versions not stated): gnomAD 0.00001; TOPMed 0.00001.
gnomAD v4.1: 1 of 1,611,992 alleles (0.000062%); highest among the groups gnomAD compares: Non-Finnish European, 0.000085%; no homozygotes.

Submission:

Labcorp Genetics (formerly Invitae), Labcorp
Classification: Uncertain significance for RASopathy. Last evaluated: 2019-11-26. Review status: criteria provided, single submitter. Criteria: Invitae Variant Classification Sherloc (09022015). Collection method: clinical testing. Allele origin: germline.
Comment: In summary, the available evidence is currently insufficient to determine the role of this variant in disease. Therefore, it has been classified as a Variant of Uncertain Significance. Algorithms developed to predict the effect of missense changes on protein structure and function (SIFT, PolyPhen-2, Align-GVGD) all suggest that this variant is likely to be tolerated, but these predictions have not been confirmed by published functional studies and their clinical significance is uncertain. This variant has not been reported in the literature in individuals with SOS1-related conditions. This variant is not present in population databases (ExAC no frequency). This sequence change replaces serine with asparagine at codon 523 of the SOS1 protein (p.Ser523Asn). The serine residue is moderately conserved and there is a small physicochemical difference between serine and asparagine.